The following is an entry in ClinVar:

ClinVar aggregate classification (germline): Uncertain significance (1 of 4 stars; one submission).

Submission:

Labcorp Genetics (formerly Invitae), Labcorp
Classification: Uncertain significance. Last evaluated: 2023-09-21. Review status: criteria provided, single submitter. Criteria: Invitae Variant Classification Sherloc (09022015). Collection method: clinical testing. Allele origin: germline.
Comment: Algorithms developed to predict the effect of sequence changes on RNA splicing suggest that this variant may create or strengthen a splice site. In summary, the available evidence is currently insufficient to determine the role of this variant in disease. Therefore, it has been classified as a Variant of Uncertain Significance. This variant has not been reported in the literature in individuals affected with HMCN1-related conditions. This variant is not present in population databases (gnomAD no frequency). This sequence change affects codon 5004 of the HMCN1 mRNA. It is a 'silent' change, meaning that it does not change the encoded amino acid sequence of the HMCN1 protein.

NM_031935.3(HMCN1):c.15012T>G (p.Thr5004=)

Genes: HMCN1 (hemicentin 1; plus strand), LOC129388665 (MPRA-validated peak513 silencer; plus strand). Cytogenetic location: 1q31.1.
Variant type: single nucleotide variant.
Coding change: c.15012T>G on transcript NM_031935.3 (MANE Select); coding-DNA position 15012, T replaced by G.
Protein change: p.Thr5004=; no amino-acid change (threonine 5004 retained).
Molecular consequence: synonymous variant.
Genome position (GRCh38, 1-based): chr1:186,152,865, T>G. VCF-style: chr1-186152865-T-G. GRCh37 (hg19) VCF-style: chr1-186121997-T-G.
Identifiers: ClinVar variation 2762433 (VCV002762433.3), dbSNP rs1650762473, ClinGen allele CA422332699.